The following is an entry in ClinVar:

ClinVar aggregate classification (germline): Pathogenic (1 of 4 stars; one submission).

Conditions:
Usher syndrome type 1 (USH1). Also called: RETINITIS PIGMENTOSA AND CONGENITAL DEAFNESS. Identifiers: Orphanet 231169, Orphanet 886, MedGen C1568247, MONDO:0010168, OMIM 276900.

Submission:

Myriad Genetics, Inc.
Classification: Pathogenic for Usher syndrome type 1. Last evaluated: 2023-08-31. Review status: criteria provided, single submitter. Criteria: Myriad Autosomal Dominant, Autosomal Recessive and X-Linked Classification Criteria (2023). Collection method: clinical testing. Allele origin: unknown.
Comment: NM_000260.3(MYO7A):c.2383delC(L795Cfs*56) is expected to be pathogenic in the context of MYO7A-related disorders. This variant is predicted to lead to an abnormal or absent protein product due to the creation of a premature termination codon in MYO7A, a gene where loss-of-function variants are known to be pathogenic. Please note: this variant was assessed in the context of healthy population screening.

NM_000260.4(MYO7A):c.2383del (p.Leu795fs)

Gene: MYO7A (myosin VIIA; plus strand). Cytogenetic location: 11q13.5.
Variant type: Deletion.
Coding change: c.2383del on transcript NM_000260.4 (MANE Select); coding-DNA position 2383, one base deleted (C; older notation c.2383delC).
Protein change: p.Leu795fs; shifts the reading frame from leucine 795.
Molecular consequence: frameshift variant.
Genome position (GRCh38, 1-based): chr11:77,179,750, C deleted; the last of 2 consecutive C bases (chr11:77,179,749-77,179,750); deleting either gives the same sequence. VCF-style (leftmost placement, unchanged base first): chr11-77179748-TC-T. GRCh37 (hg19) VCF-style: chr11-76890794-TC-T.
Other names: c.2383del, p.Leu795fs (NM_001127180.2); c.2350del, p.Leu784fs (NM_001369365.1); short protein forms L784fs, L795fs.
Identifiers: ClinVar variation 5011507 (VCV005011507.1).